The following is an entry in ClinVar:

ClinVar aggregate classification (germline): Uncertain significance (1 of 4 stars; one submission).

Submission:

Ambry Genetics
Classification: Uncertain significance. Last evaluated: 2025-05-27. Review status: criteria provided, single submitter. Criteria: Ambry Variant Classification Scheme 2023. Collection method: clinical testing. Allele origin: germline.
Comment: The p.D290N variant (also known as c.868G>A), located in coding exon 9 of the NEBL gene, results from a G to A substitution at nucleotide position 868. The aspartic acid at codon 290 is replaced by asparagine, an amino acid with highly similar properties. This amino acid position is conserved. In addition, this alteration is predicted to be tolerated by in silico analysis. Based on the available evidence, the clinical significance of this variant remains unclear.

NM_006393.3(NEBL):c.868G>A (p.Asp290Asn)

Gene: NEBL (nebulette; minus strand). Cytogenetic location: 10p12.31.
Variant type: single nucleotide variant.
Coding change: c.868G>A on transcript NM_006393.3 (MANE Select); coding-DNA position 868, G replaced by A.
Protein change: p.Asp290Asn; replaces aspartic acid 290 with asparagine.
Molecular consequence: missense variant. On other transcripts: intron variant (9).
Genome position (GRCh38, 1-based): chr10:20,858,275, C>T on the plus strand (G>A on the coding strand, the complement: NEBL is on the minus strand). VCF-style: chr10-20858275-C-T. GRCh37 (hg19) VCF-style: chr10-21147204-C-T.
Other names: c.250-45335G>A (NM_001377326.1, NM_001377327.1, NM_001377328.1); c.358-45335G>A (NM_213569.2, NM_001173484.2, NM_001377322.1); c.301-45335G>A (NM_001377324.1); c.292-45335G>A (NM_001377325.1); c.310-45335G>A (NM_001377323.1); short protein forms D290N.
Identifiers: ClinVar variation 3918554 (VCV003918554.1).